The following is an entry in ClinVar:

ClinVar aggregate classification (germline): Uncertain significance (1 of 4 stars; one submission).

gnomAD v4.1: 21 of 1,614,058 alleles (0.0013%); highest among the groups gnomAD compares: Non-Finnish European, 0.00034%; no homozygotes.

Submission:

Labcorp Genetics (formerly Invitae), Labcorp
Classification: Uncertain significance. Last evaluated: 2026-01-15. Review status: criteria provided, single submitter. Criteria: Invitae Variant Classification Sherloc (09022015). Collection method: clinical testing. Allele origin: germline.
Comment: This sequence change replaces proline, which is neutral and non-polar, with serine, which is neutral and polar, at codon 305 of the ERCC6 protein (p.Pro305Ser). This variant is present in population databases (rs764295401, gnomAD 0.03%). This variant has not been reported in the literature in individuals affected with ERCC6-related conditions. Invitae Evidence Modeling of protein sequence and biophysical properties (such as structural, functional, and spatial information, amino acid conservation, physicochemical variation, residue mobility, and thermodynamic stability) indicates that this missense variant is not expected to disrupt ERCC6 protein function with a negative predictive value of 80%. In summary, the available evidence is currently insufficient to determine the role of this variant in disease. Therefore, it has been classified as a Variant of Uncertain Significance.

NM_000124.4(ERCC6):c.913C>T (p.Pro305Ser)

Gene: ERCC6 (ERCC excision repair 6, chromatin remodeling factor; minus strand). Cytogenetic location: 10q11.23.
Variant type: single nucleotide variant.
Coding change: c.913C>T on transcript NM_000124.4 (MANE Select); coding-DNA position 913, C replaced by T.
Protein change: p.Pro305Ser; replaces proline 305 with serine.
Molecular consequence: missense variant.
Genome position (GRCh38, 1-based): chr10:49,524,517, G>A on the plus strand (C>T on the coding strand, the complement: ERCC6 is on the minus strand). VCF-style: chr10-49524517-G-A. GRCh37 (hg19) VCF-style: chr10-50732563-G-A.
Other names: c.913C>T, p.Pro305Ser (NM_001277058.2, NM_001277059.2, NM_001346440.2); short protein forms P305S.
Identifiers: ClinVar variation 4711288 (VCV004711288.1).